The following is an entry in ClinVar:

ClinVar aggregate classification (germline): Uncertain significance (1 of 4 stars; one submission).

Submission:

Ambry Genetics
Classification: Uncertain significance. Last evaluated: 2023-07-13. Review status: criteria provided, single submitter. Criteria: Ambry Variant Classification Scheme 2023. Collection method: clinical testing. Allele origin: germline.
Comment: The p.T229I variant (also known as c.686C>T), located in coding exon 7 of the ILK gene, results from a C to T substitution at nucleotide position 686. The threonine at codon 229 is replaced by isoleucine, an amino acid with similar properties. This amino acid position is conserved. In addition, the in silico prediction for this alteration is inconclusive. Since supporting evidence is limited at this time, the clinical significance of this alteration remains unclear.

NM_004517.4(ILK):c.686C>T (p.Thr229Ile)

Genes: TAF10 (TATA-box binding protein associated factor 10; minus strand), ILK (integrin linked kinase; plus strand). Cytogenetic location: 11p15.4.
Variant type: single nucleotide variant.
Coding change: c.686C>T on transcript NM_004517.4 (MANE Select); coding-DNA position 686, C replaced by T.
Protein change: p.Thr229Ile; replaces threonine 229 with isoleucine.
Molecular consequence: missense variant. On other transcripts: 3 prime UTR variant (1).
Genome position (GRCh38, 1-based): chr11:6,609,366, C>T. VCF-style: chr11-6609366-C-T. GRCh37 (hg19) VCF-style: chr11-6630597-C-T.
Other names: c.686C>T, p.Thr229Ile (NM_001014794.3, NM_001014795.3); c.503C>T, p.Thr168Ile (NM_001278441.2); c.284C>T, p.Thr95Ile (NM_001278442.2); c.*1556G>A (NM_006284.4); short protein forms T168I, T229I, T95I.
Identifiers: ClinVar variation 2624752 (VCV002624752.2), dbSNP rs2493772380, ClinGen allele CA379461695.